The following is an entry in ClinVar:

NM_000539.3(RHO):c.274A>G (p.Thr92Ala)

Gene: RHO (rhodopsin; plus strand). Cytogenetic location: 3q22.1.
Variant type: single nucleotide variant.
Coding change: c.274A>G on transcript NM_000539.3 (MANE Select); coding-DNA position 274, A replaced by G.
Protein change: p.Thr92Ala; replaces threonine 92 with alanine.
Molecular consequence: missense variant.
Genome position (GRCh38, 1-based): chr3:129,529,007, A>G. VCF-style: chr3-129529007-A-G. GRCh37 (hg19) VCF-style: chr3-129247850-A-G.
Other names: short protein forms T92A.
Identifiers: ClinVar variation 1040645 (VCV001040645.8), dbSNP rs768298431, ClinGen allele CA2607100.

ClinVar aggregate classification (germline): Uncertain significance (1 of 4 stars; one submission).

Allele frequency attached by ClinVar (database versions not stated): gnomAD exomes below 0.00001; ExAC 0.00001.

Submission:

Labcorp Genetics (formerly Invitae), Labcorp
Classification: Uncertain significance. Last evaluated: 2025-03-17. Review status: criteria provided, single submitter. Criteria: Invitae Variant Classification Sherloc (09022015). Collection method: clinical testing. Allele origin: germline.
Comment: This sequence change replaces threonine, which is neutral and polar, with alanine, which is neutral and non-polar, at codon 92 of the RHO protein (p.Thr92Ala). This variant is present in population databases (rs768298431, gnomAD 0.0009%). This variant has not been reported in the literature in individuals affected with RHO-related conditions. ClinVar contains an entry for this variant (Variation ID: 1040645). Invitae Evidence Modeling of protein sequence and biophysical properties (such as structural, functional, and spatial information, amino acid conservation, physicochemical variation, residue mobility, and thermodynamic stability) has been performed for this missense variant. However, the output from this modeling did not meet the statistical confidence thresholds required to predict the impact of this variant on RHO protein function. In summary, the available evidence is currently insufficient to determine the role of this variant in disease. Therefore, it has been classified as a Variant of Uncertain Significance.